The following is an entry in ClinVar:

NC_000001.11:g.(?_75724778)_(75724827_?)del

Gene: ACADM (acyl-CoA dehydrogenase medium chain; plus strand). Cytogenetic location: 1p31.1.
Variant type: Deletion.
Identifiers: ClinVar variation 832116 (VCV000832116.1).

ClinVar aggregate classification (germline): Pathogenic (1 of 4 stars; one submission).

Conditions:
Medium-chain acyl-coenzyme A dehydrogenase deficiency (ACADMD). Also called: CARNITINE DEFICIENCY SECONDARY TO MEDIUM-CHAIN ACYL-CoA DEHYDROGENASE DEFICIENCY; Medium chain acyl-CoA dehydrogenase deficiency; MCADD; MCADH DEFICIENCY; MCAD Deficiency; ACADM DEFICIENCY. Identifiers: Orphanet 42, MedGen C0220710, MONDO:0008721, OMIM 201450.

Submission:

Labcorp Genetics (formerly Invitae), Labcorp
Classification: Pathogenic for Medium-chain acyl-coenzyme A dehydrogenase deficiency. Last evaluated: 2019-09-26. Review status: criteria provided, single submitter. Criteria: Invitae Variant Classification Sherloc (09022015). Collection method: clinical testing. Allele origin: germline.
Comment: This variant is a gross deletion of the genomic region encompassing exon 1 of the ACADM gene, which includes the initiator codon. The 5' end of this event is unknown as it extends beyond the assayed region for this gene and therefore may encompass additional genes. The 3' boundary is likely confined to intron 1 of the ACADM gene. This is expected to result in an absent or disrupted protein product. This variant has not been reported in the literature in individuals with ACADM-related conditions. Loss-of-function variants in ACADM are known to be pathogenic (PMID: 16121256, 20434380). For these reasons, this variant has been classified as Pathogenic.